The following is an entry in ClinVar:

ClinVar aggregate classification (germline): Pathogenic/Likely pathogenic. Review status: criteria provided, multiple submitters, no conflicts (2 of 4 stars). 2 submissions from 2 submitters: Pathogenic (1); Likely pathogenic (1). Last evaluated 2024-05-01.

Conditions:
Fanconi anemia (FA). Also called: Fanconi's anemia. Identifiers: Orphanet 84, MedGen C0015625, MeSH D005199, MONDO:0019391.
Fanconi anemia complementation group I (FANCI). Also called: FANCI-Related Fanconi Anemia. Identifiers: Orphanet 84, MedGen C1836861, MONDO:0012186, OMIM 609053.

Submissions (2):

Labcorp Genetics (formerly Invitae), Labcorp
Classification: Pathogenic for Fanconi anemia. Last evaluated: 2024-05-01. Review status: criteria provided, single submitter. Criteria: Invitae Variant Classification Sherloc (09022015). Collection method: clinical testing. Allele origin: germline.
Comment: This sequence change creates a premature translational stop signal (p.Arg944Lysfs*23) in the FANCI gene. It is expected to result in an absent or disrupted protein product. Loss-of-function variants in FANCI are known to be pathogenic (PMID: 17452773, 17460694). This variant is present in population databases (no rsID available, gnomAD 0.01%). This variant has not been reported in the literature in individuals affected with FANCI-related conditions. For these reasons, this variant has been classified as Pathogenic.

Baylor Genetics
Classification: Likely pathogenic for Fanconi anemia complementation group I. Last evaluated: 2023-06-09. Review status: criteria provided, single submitter. Criteria: ACMG Guidelines, 2015. Collection method: clinical testing. Allele origin: unknown.

Literature cited by the submitters: PubMed 17452773 (cited by Labcorp Genetics (formerly Invitae), Labcorp); PubMed 17460694 (cited by Labcorp Genetics (formerly Invitae), Labcorp).

NM_001113378.2(FANCI):c.2831_2834del (p.Arg944fs)

Gene: FANCI (FA complementation group I; plus strand). Cytogenetic location: 15q26.1.
Variant type: Microsatellite.
Coding change: c.2831_2834del on transcript NM_001113378.2 (MANE Select); coding-DNA positions 2831 to 2834, 4 bases deleted (GAGA; older notation c.2831_2834delGAGA).
Protein change: p.Arg944fs; shifts the reading frame from arginine 944.
Molecular consequence: frameshift variant.
Genome position (GRCh38, 1-based): chr15:89,300,327-89,300,330, GAGA deleted; deleting any 4 consecutive bases within chr15:89,300,322-89,300,330 gives the same sequence; the c. name uses the placement nearest the transcript's 3' end. VCF-style (leftmost placement, unchanged base first): chr15-89300321-AAGAG-A. GRCh37 (hg19) VCF-style: chr15-89843552-AAGAG-A.
Other names: c.2552_2555del, p.Arg851fs (NM_001376910.1); c.2831_2834del, p.Arg944fs (NM_001376911.1); c.2651_2654del, p.Arg884fs (NM_018193.3); short protein forms R851fs, R884fs, R944fs.
Identifiers: ClinVar variation 2675617 (VCV002675617.4), dbSNP rs1479409508, ClinGen allele CA619507703.